The following is an entry in ClinVar:

NM_002778.4(PSAP):c.829A>T (p.Met277Leu)

Gene: PSAP (prosaposin; minus strand). Cytogenetic location: 10q22.1.
Variant type: single nucleotide variant.
Coding change: c.829A>T on transcript NM_002778.4 (MANE Select); coding-DNA position 829, A replaced by T.
Protein change: p.Met277Leu; replaces methionine 277 with leucine.
Molecular consequence: missense variant.
Genome position (GRCh38, 1-based): chr10:71,821,956, T>A on the plus strand (A>T on the coding strand, the complement: PSAP is on the minus strand). VCF-style: chr10-71821956-T-A. GRCh37 (hg19) VCF-style: chr10-73581713-T-A.
Other names: c.838A>T, p.Met280Leu (NM_001042465.3); c.835A>T, p.Met279Leu (NM_001042466.3); short protein forms M277L, M279L, M280L.
Identifiers: ClinVar variation 2633671 (VCV002633671.1), dbSNP rs2494505881, ClinGen allele CA377147756.

ClinVar aggregate classification (germline): Uncertain significance (1 of 4 stars; one submission).

Conditions:
PSAP-related disorder. Also called: PSAP-related condition.

Submission:

PreventionGenetics, part of Exact Sciences
Classification: Uncertain significance for PSAP-related condition. Last evaluated: 2023-04-06. Review status: criteria provided, single submitter. Criteria: ACMG Guidelines, 2015. Collection method: clinical testing. Allele origin: germline.
Comment: The PSAP c.829A>T variant is predicted to result in the amino acid substitution p.Met277Leu. To our knowledge, this variant has not been reported in the literature or in a large population database, indicating this variant is rare. At this time, the clinical significance of this variant is uncertain due to the absence of conclusive functional and genetic evidence.